The following is an entry in ClinVar:

NM_005732.4(RAD50):c.128_129insT (p.Thr44fs)

Gene: RAD50 (RAD50 double strand break repair protein; plus strand). Cytogenetic location: 5q31.1.
Variant type: Insertion.
Coding change: c.128_129insT on transcript NM_005732.4 (MANE Select); coding-DNA positions 128 to 129, T inserted.
Protein change: p.Thr44fs; shifts the reading frame from threonine 44.
Molecular consequence: frameshift variant.
Genome position: GRCh38 VCF-style: chr5-132557452-C-CT. GRCh37 (hg19) VCF-style: chr5-131893144-C-CT.
Other names: short protein forms T44fs.
Identifiers: ClinVar variation 1458992 (VCV001458992.6), dbSNP rs2149830204, ClinGen allele CA2573139062.

ClinVar aggregate classification (germline): Pathogenic (1 of 4 stars; one submission).

Conditions:
Hereditary cancer-predisposing syndrome. Also called: Neoplastic Syndromes, Hereditary; Hereditary Cancer Syndrome; Hereditary neoplastic syndrome; Tumor predisposition. Identifiers: Orphanet 140162, MedGen C0027672, MeSH D009386, MONDO:0015356.

Submission:

Labcorp Genetics (formerly Invitae), Labcorp
Classification: Pathogenic for Hereditary cancer-predisposing syndrome. Last evaluated: 2021-10-18. Review status: criteria provided, single submitter. Criteria: Invitae Variant Classification Sherloc (09022015). Collection method: clinical testing. Allele origin: germline.
Comment: For these reasons, this variant has been classified as Pathogenic. This variant has not been reported in the literature in individuals affected with RAD50-related conditions. This variant is not present in population databases (gnomAD no frequency). This sequence change creates a premature translational stop signal (p.Thr44Aspfs*4) in the RAD50 gene. It is expected to result in an absent or disrupted protein product. Loss-of-function variants in RAD50 are known to be pathogenic (PMID: 19409520).

Literature cited by the submitters: PubMed 19409520.